The following is an entry in ClinVar:

NM_005802.5(TOPORS):c.2393A>C (p.Tyr798Ser)

Gene: TOPORS (TOP1 binding arginine/serine rich protein, E3 ubiquitin ligase; minus strand). Cytogenetic location: 9p21.1.
Variant type: single nucleotide variant.
Coding change: c.2393A>C on transcript NM_005802.5 (MANE Select); coding-DNA position 2393, A replaced by C.
Protein change: p.Tyr798Ser; replaces tyrosine 798 with serine.
Molecular consequence: missense variant.
Genome position (GRCh38, 1-based): chr9:32,542,132, T>G on the plus strand (A>C on the coding strand, the complement: TOPORS is on the minus strand). VCF-style: chr9-32542132-T-G. GRCh37 (hg19) VCF-style: chr9-32542130-T-G.
Other names: c.2198A>C, p.Tyr733Ser (NM_001195622.2); short protein forms Y733S, Y798S.
Identifiers: ClinVar variation 2084479 (VCV002084479.4), dbSNP rs1821073452, ClinGen allele CA373163907.

ClinVar aggregate classification (germline): Uncertain significance (1 of 4 stars; one submission).

Submission:

Labcorp Genetics (formerly Invitae), Labcorp
Classification: Uncertain significance. Last evaluated: 2022-01-17. Review status: criteria provided, single submitter. Criteria: Invitae Variant Classification Sherloc (09022015). Collection method: clinical testing. Allele origin: germline.
Comment: This variant has not been reported in the literature in individuals affected with TOPORS-related conditions. This sequence change replaces tyrosine, which is neutral and polar, with serine, which is neutral and polar, at codon 798 of the TOPORS protein (p.Tyr798Ser). This variant is not present in population databases (gnomAD no frequency). Algorithms developed to predict the effect of missense changes on protein structure and function are either unavailable or do not agree on the potential impact of this missense change (SIFT: "Tolerated"; PolyPhen-2: "Not Available"; Align-GVGD: "Class C0"). In summary, the available evidence is currently insufficient to determine the role of this variant in disease. Therefore, it has been classified as a Variant of Uncertain Significance.